The following is an entry in ClinVar:

ClinVar aggregate classification (germline): Uncertain significance (1 of 4 stars; one submission).

Conditions:
Familial thoracic aortic aneurysm and aortic dissection (TAAD). Also called: Thoracic aortic aneurysms and dissections. Identifiers: Orphanet 91387, MedGen C4707243, MONDO:0019625.

Submission:

Color Diagnostics, LLC DBA Color Health
Classification: Uncertain significance for Familial thoracic aortic aneurysm and aortic dissection. Last evaluated: 2023-12-05. Review status: criteria provided, single submitter. Criteria: ACMG Guidelines, 2015. Collection method: clinical testing. Allele origin: germline.
Comment: This missense variant replaces glycine with arginine at codon 1313 of the FBN1 protein. Computational prediction tools and conservation analyses are inconclusive regarding the impact of this variant on the protein function. Computational splicing tools suggest that this variant may not impact RNA splicing. To our knowledge, functional assays have not been performed for this variant nor has this variant been reported in individuals affected with cardiovascular disorders in the literature. This variant has not been identified in the general population by the Genome Aggregation Database (gnomAD). Available evidence is insufficient to determine the role of this variant in disease conclusively. Therefore, this variant is classified as a Variant of Uncertain Significance.

NM_000138.5(FBN1):c.3937G>C (p.Gly1313Arg)

Gene: FBN1 (fibrillin 1; minus strand). Cytogenetic location: 15q21.1.
Variant type: single nucleotide variant.
Coding change: c.3937G>C on transcript NM_000138.5 (MANE Select); coding-DNA position 3937, G replaced by C.
Protein change: p.Gly1313Arg; replaces glycine 1313 with arginine.
Molecular consequence: missense variant.
Genome position (GRCh38, 1-based): chr15:48,481,682, C>G on the plus strand (G>C on the coding strand, the complement: FBN1 is on the minus strand). VCF-style: chr15-48481682-C-G. GRCh37 (hg19) VCF-style: chr15-48773879-C-G.
Other names: short protein forms G1313R.
Identifiers: ClinVar variation 924335 (VCV000924335.5), dbSNP rs1156984408, ClinGen allele CA392322247.
Genomic context (GRCh38, chr15:48,481,682, plus strand): 5'-TAATATTTTATTGTTCTACTTGAACAAACACACCTGTACAGCCAGTTTTTCCTTTTTTGC[C>G]GGAGTAGCCCATATCACAGTGGCAGATAAATGAGCCTTTCGTGTTTTCACAGGTCCCACT-3'
Protein context (NP_000129.3, residues 1303-1323): FICHCDMGYS[Gly1313Arg]KKGKTGCTDI